The following is an entry in ClinVar:

ClinVar aggregate classification (germline): Pathogenic (1 of 4 stars; one submission).

Conditions:
BAP1-related tumor predisposition syndrome (TPDS1). Also called: BAP1 tumor predisposition syndrome; Tumor susceptibility linked to germline BAP1 mutations; COMMON Syndrome; TUMOR PREDISPOSITION SYNDROME 1. Identifiers: Orphanet 289539, MedGen C3280492, MONDO:0013692, OMIM 614327.

Submission:

Labcorp Genetics (formerly Invitae), Labcorp
Classification: Pathogenic for BAP1-related tumor predisposition syndrome. Last evaluated: 2024-02-07. Review status: criteria provided, single submitter. Criteria: Invitae Variant Classification Sherloc (09022015). Collection method: clinical testing. Allele origin: germline.
Comment: This sequence change creates a premature translational stop signal (p.Ile72Metfs*5) in the BAP1 gene. It is expected to result in an absent or disrupted protein product. Loss-of-function variants in BAP1 are known to be pathogenic (PMID: 21874000, 23684012). This variant is not present in population databases (gnomAD no frequency). This variant has not been reported in the literature in individuals affected with BAP1-related conditions. Algorithms developed to predict the effect of sequence changes on RNA splicing suggest that this variant may disrupt the consensus splice site. For these reasons, this variant has been classified as Pathogenic.

Literature cited by the submitters: PubMed 21874000; PubMed 23684012.

NM_004656.4(BAP1):c.216_219del (p.Ile72fs)

Gene: BAP1 (BRCA1 associated deubiquitinase 1; minus strand). Cytogenetic location: 3p21.1.
Variant type: Microsatellite.
Coding change: c.216_219del on transcript NM_004656.4 (MANE Select); coding-DNA positions 216 to 219, 4 bases deleted (TGAT; older notation c.216_219delTGAT).
Protein change: p.Ile72fs; shifts the reading frame from isoleucine 72.
Molecular consequence: frameshift variant.
Genome position (GRCh38, 1-based): chr3:52,408,510-52,408,513, ATCA deleted on the plus strand (TGAT on the coding strand, the reverse complement: BAP1 is on the minus strand); deleting any 4 consecutive bases within chr3:52,408,510-52,408,517 gives the same sequence; the c. name uses the placement nearest the transcript's 3' end. VCF-style (leftmost placement, unchanged base first): chr3-52408509-CATCA-C. GRCh37 (hg19) VCF-style: chr3-52442525-CATCA-C.
Other names: c.216_219del, p.Ile72fs (NM_001410772.1); short protein forms I72fs.
Identifiers: ClinVar variation 3639384 (VCV003639384.2).